The following is an entry in ClinVar:

Conditions:
Breast-ovarian cancer, familial, susceptibility to, 1 (BROVCA1). Also called: BRCA1 Hereditary Breast and Ovarian Cancer; OVARIAN CANCER, SUSCEPTIBILITY TO. Identifiers: Orphanet 145, MedGen C2676676, MONDO:0011450, OMIM 604370. Disease mechanism: loss of function.

Submission:

Brotman Baty Institute, University of Washington
No classification provided (evidence only). Condition: Breast-ovarian cancer, familial 1. Review status: no classification provided. Collection method: in vitro. Allele origin: not applicable. Functional consequence: functionally_normal.
ClinVar note: "not provided" was previously submitted as the classification for the variant. However, the classification appeared to be based only on an observation of functional data so it was converted to no classification on 2025-07-30.

NM_007294.4(BRCA1):c.5493T>G (p.Pro1831=)

Gene: BRCA1 (BRCA1 DNA repair associated; minus strand). Cytogenetic location: 17q21.31.
Variant type: single nucleotide variant.
Coding change: c.5493T>G on transcript NM_007294.4 (MANE Select); coding-DNA position 5493, T replaced by G.
Protein change: p.Pro1831=; no amino-acid change (proline 1831 retained).
Molecular consequence: synonymous variant. On other transcripts: 3 prime UTR variant (17).
Genome position (GRCh38, 1-based): chr17:43,045,777, A>C on the plus strand (T>G on the coding strand, the complement: BRCA1 is on the minus strand). VCF-style: chr17-43045777-A-C. GRCh37 (hg19) VCF-style: chr17-41197794-A-C.
Other names: c.5487T>G, p.Pro1829= (NM_001407640.1, NM_001407641.1, NM_001407642.1 and 13 more transcripts); c.5484T>G, p.Pro1828= (NM_001407644.1, NM_001407645.1); c.5481T>G, p.Pro1827= (NM_001407646.1); c.5478T>G, p.Pro1826= (NM_001407647.1); c.5436T>G, p.Pro1812= (NM_001407648.1); c.5433T>G, p.Pro1811= (NM_001407649.1); c.5415T>G, p.Pro1805= (NM_001407652.1, NM_001407653.1, NM_001407654.1 and 1 more transcripts); c.5412T>G, p.Pro1804= (NM_001407656.1, NM_001407657.1, NM_001407658.1); and 74 more.
Identifiers: ClinVar variation 867600 (VCV000867600.3), dbSNP rs2050882264, ClinGen allele CA500142938.